The following is an entry in ClinVar:

NM_004006.3(DMD):c.5344G>T (p.Glu1782Ter)

Gene: DMD (dystrophin; minus strand). Cytogenetic location: Xp21.1.
Variant type: single nucleotide variant.
Coding change: c.5344G>T on transcript NM_004006.3 (MANE Select); coding-DNA position 5344, G replaced by T.
Protein change: p.Glu1782Ter; replaces glutamic acid 1782 with a stop codon.
Molecular consequence: nonsense.
Genome position (GRCh38, 1-based): chrX:32,348,510, C>A on the plus strand (G>T on the coding strand, the complement: DMD is on the minus strand). VCF-style: chrX-32348510-C-A. GRCh37 (hg19) VCF-style: chrX-32366627-C-A.
Other names: c.5320G>T, p.Glu1774Ter (NM_000109.4); c.5332G>T, p.Glu1778Ter (NM_004009.3); c.4975G>T, p.Glu1659Ter (NM_004010.3); c.1321G>T, p.Glu441Ter (NM_004011.4); c.1312G>T, p.Glu438Ter (NM_004012.4); short protein forms E1782*, E1778*, E441*, E1774*, E438*, E1659*.
Identifiers: ClinVar variation 290445 (VCV000290445.19), dbSNP rs886044455, ClinGen allele CA10606778.

ClinVar aggregate classification (germline): Pathogenic. Review status: criteria provided, multiple submitters, no conflicts (2 of 4 stars). 4 submissions from 4 submitters: Pathogenic (4). Last evaluated 2025-01-14.

Conditions:
Cardiovascular phenotype. Identifiers: MedGen CN230736.
Duchenne muscular dystrophy (DMD). Also called: Duchenne Muscular Dystrophy (DMD); MUSCULAR DYSTROPHY, PSEUDOHYPERTROPHIC PROGRESSIVE, DUCHENNE TYPE. Identifiers: Orphanet 98896, MedGen C0013264, MONDO:0010679, OMIM 310200.

Submissions (4):

GeneDx
Classification: Pathogenic. Last evaluated: 2025-01-14. Review status: criteria provided, single submitter. Criteria: GeneDx Variant Classification Process June 2021. Collection method: clinical testing. Allele origin: germline. Affected: yes.
Comment: Not observed at significant frequency in large population cohorts (gnomAD); Nonsense variant predicted to result in protein truncation or nonsense mediated decay in a gene for which loss of function is a known mechanism of disease; This variant is associated with the following publications: (PMID: 25525159, 19937601, 35218518, 39719075)

Ambry Genetics
Classification: Pathogenic for Cardiovascular phenotype. Last evaluated: 2024-12-12. Review status: criteria provided, single submitter. Criteria: Ambry Variant Classification Scheme 2023. Collection method: clinical testing. Allele origin: germline.
Comment: The p.E1782* pathogenic mutation (also known as c.5344G>T), located in coding exon 38 of the DMD gene, results from a G to T substitution at nucleotide position 5344. This changes the amino acid from a glutamic acid to a stop codon within coding exon 38. This variant was reported in individual(s) with features consistent with Duchenne muscular dystrophy (DMD) (Flanigan KM et al. Hum Mutat, 2009 Dec;30:1657-66). This variant is considered to be rare based on population cohorts in the Genome Aggregation Database (gnomAD). In addition to the clinical data presented in the literature, this alteration is expected to result in loss of function by premature protein truncation or nonsense-mediated mRNA decay. As such, this alteration is interpreted as a disease-causing mutation.

Labcorp Genetics (formerly Invitae), Labcorp
Classification: Pathogenic for Duchenne muscular dystrophy. Last evaluated: 2022-12-23. Review status: criteria provided, single submitter. Criteria: Invitae Variant Classification Sherloc (09022015). Collection method: clinical testing. Allele origin: germline.
Comment: ClinVar contains an entry for this variant (Variation ID: 290445). For these reasons, this variant has been classified as Pathogenic. This premature translational stop signal has been observed in individual(s) with Duchenne muscular dystrophy (PMID: 19937601). This variant is not present in population databases (gnomAD no frequency). This sequence change creates a premature translational stop signal (p.Glu1782*) in the DMD gene. It is expected to result in an absent or disrupted protein product. Loss-of-function variants in DMD are known to be pathogenic (PMID: 16770791, 25007885).

Eurofins Ntd Llc (ga)
Classification: Pathogenic. Last evaluated: 2016-09-19. Review status: criteria provided, single submitter. Criteria: EGL Classification Definitions 2015. Collection method: clinical testing. Allele origin: germline. Observed: 1 variant allele, 1 hemizygote.

Literature cited by the submitters: PubMed 19937601 (cited by 3 submitters); PubMed 16770791 (cited by Labcorp Genetics (formerly Invitae), Labcorp); PubMed 25007885 (cited by Labcorp Genetics (formerly Invitae), Labcorp).